The following is an entry in ClinVar:

NM_024783.4(AGBL2):c.1747C>T (p.Arg583Ter)

Gene: AGBL2 (AGBL carboxypeptidase 2; minus strand). Cytogenetic location: 11p11.2.
Variant type: single nucleotide variant.
Coding change: c.1747C>T on transcript NM_024783.4 (MANE Select); coding-DNA position 1747, C replaced by T.
Protein change: p.Arg583Ter; replaces arginine 583 with a stop codon.
Molecular consequence: nonsense.
Genome position (GRCh38, 1-based): chr11:47,685,934, G>A on the plus strand (C>T on the coding strand, the complement: AGBL2 is on the minus strand). VCF-style: chr11-47685934-G-A. GRCh37 (hg19) VCF-style: chr11-47707486-G-A.
Other names: short protein forms R583*.
Identifiers: ClinVar variation 402135 (VCV000402135.2), dbSNP rs764666741, ClinGen allele CA5979087.

ClinVar aggregate classification (germline): Conflicting classifications of pathogenicity. Review status: criteria provided, conflicting classifications (1 of 4 stars). 2 submissions from 2 submitters: Likely pathogenic (1); Uncertain significance (1). Last evaluated 2023-07-25.

Conditions:
Epilepsy. Also called: Seizure disorder. Identifiers: MedGen C0014544, MeSH D004827, MONDO:0005027.
Abnormal brain morphology. Also called: Abnormality of brain morphology. Identifiers: MedGen C4021085, HP:0012443.

Allele frequency attached by ClinVar (database versions not stated): gnomAD 0.00001; TOPMed 0.00001; ExAC 0.00002; gnomAD exomes 0.00002.
gnomAD v4.1: 27 of 1,613,842 alleles (0.0017%); highest among the groups gnomAD compares: South Asian, 0.0022%; no homozygotes.

Submissions (2):

Department of Pathology and Laboratory Medicine, Sinai Health System
Classification: Uncertain significance for epilepsy. Last evaluated: 2023-07-25. Review status: criteria provided, single submitter. Criteria: ACMG Guidelines, 2015. Collection method: research. Allele origin: germline.

Lupski Lab, Baylor-Hopkins CMG, Baylor College of Medicine
Classification: Likely pathogenic for Abnormal brain morphology. Review status: criteria provided, single submitter. Criteria: Karaca et al. (Neuron 2015). Collection method: research. Allele origin: inherited. Inheritance: Autosomal recessive inheritance. Affected: yes.
Comment: Homozygous stop gain